The following is an entry in ClinVar:

ClinVar aggregate classification (germline): Uncertain significance (1 of 4 stars; one submission).

Submission:

Labcorp Genetics (formerly Invitae), Labcorp
Classification: Uncertain significance. Last evaluated: 2023-08-27. Review status: criteria provided, single submitter. Criteria: Invitae Variant Classification Sherloc (09022015). Collection method: clinical testing. Allele origin: germline.
Comment: This sequence change replaces proline, which is neutral and non-polar, with glutamine, which is neutral and polar, at codon 102 of the SPARC protein (p.Pro102Gln). This variant is not present in population databases (gnomAD no frequency). This variant has not been reported in the literature in individuals affected with SPARC-related conditions. Advanced modeling of protein sequence and biophysical properties (such as structural, functional, and spatial information, amino acid conservation, physicochemical variation, residue mobility, and thermodynamic stability) performed at Invitae indicates that this missense variant is not expected to disrupt SPARC protein function. In summary, the available evidence is currently insufficient to determine the role of this variant in disease. Therefore, it has been classified as a Variant of Uncertain Significance.

NM_003118.4(SPARC):c.305C>A (p.Pro102Gln)

Gene: SPARC (secreted protein acidic and cysteine rich; minus strand). Cytogenetic location: 5q33.1.
Variant type: single nucleotide variant.
Coding change: c.305C>A on transcript NM_003118.4 (MANE Select); coding-DNA position 305, C replaced by A.
Protein change: p.Pro102Gln; replaces proline 102 with glutamine.
Molecular consequence: missense variant.
Genome position (GRCh38, 1-based): chr5:151,671,598, G>T on the plus strand (C>A on the coding strand, the complement: SPARC is on the minus strand). VCF-style: chr5-151671598-G-T. GRCh37 (hg19) VCF-style: chr5-151051159-G-T.
Other names: c.302C>A, p.Pro101Gln (NM_001309443.2); c.305C>A, p.Pro102Gln (NM_001309444.2); short protein forms P102Q, P101Q.
Identifiers: ClinVar variation 2755402 (VCV002755402.3), dbSNP rs2480212215, ClinGen allele CA361834048.